The following is an entry in ClinVar:

NM_001171.6(ABCC6):c.2650G>A (p.Glu884Lys)

Gene: ABCC6 (ATP binding cassette subfamily C member 6; minus strand). Cytogenetic location: 16p13.11.
Variant type: single nucleotide variant.
Coding change: c.2650G>A on transcript NM_001171.6 (MANE Select); coding-DNA position 2650, G replaced by A.
Protein change: p.Glu884Lys; replaces glutamic acid 884 with lysine.
Molecular consequence: missense variant. On other transcripts: non-coding transcript variant (1).
Genome position (GRCh38, 1-based): chr16:16,175,927, C>T on the plus strand (G>A on the coding strand, the complement: ABCC6 is on the minus strand). VCF-style: chr16-16175927-C-T. GRCh37 (hg19) VCF-style: chr16-16269784-C-T.
Other names: c.2650G>A (NM_001171.5); c.2308G>A, p.Glu770Lys (NM_001351800.1); short protein forms E770K, E884K.
Identifiers: ClinVar variation 1510950 (VCV001510950.21), dbSNP rs138049574, ClinGen allele CA7925843.
Genomic context (GRCh38, chr16:16,175,927, plus strand): 5'-CTTCAGCCTGTGCCCTTCTGAGTGTGGCACCATGGTGGACTCACCTCTCGCGTCTAAGCT[C>T]GGGCCTCCTGCCTGCAGAGGTGCCTCTGGGGTCCTTGGTGCTGGTCCCAGGTTCTGTTTC-3'
Protein context (NP_001162.5, residues 874-894): PRGTSAGRRP[Glu884Lys]LRRERSIKSV

ClinVar aggregate classification (germline): Uncertain significance. Review status: criteria provided, multiple submitters, no conflicts (2 of 4 stars). 5 submissions from 5 submitters: Uncertain significance (4). 1 of the submissions does not count toward it. Last evaluated 2025-05-28.

Conditions:
Inborn genetic diseases. Identifiers: MedGen C0950123, MeSH D030342.
ABCC6-related disorder. Also called: ABCC6-related condition.
Arterial calcification, generalized, of infancy, 2. Identifiers: Orphanet 51608, MedGen C3276161, MONDO:0013768, OMIM 614473.
Autosomal recessive inherited pseudoxanthoma elasticum (PXE). Identifiers: Orphanet 758, MedGen CN032334, MONDO:0009925, OMIM 264800.
Pseudoxanthoma elasticum, forme fruste. Also called: Pseudoxanthoma Elasticum, Incomplete; PSEUDOXANTHOMA ELASTICUM, HETEROZYGOUS. Identifiers: Orphanet 758, MedGen C1867450, MONDO:0008333, OMIM 177850.

Allele frequency attached by ClinVar (database versions not stated): gnomAD exomes 0.00003 and 0.00004; TOPMed 0.00003; gnomAD 0.00005; ExAC 0.00007; ESP Exome Variant Server 0.00008.
gnomAD v4.1: 48 of 1,613,982 alleles (0.003%); highest among the groups gnomAD compares: Non-Finnish European, 0.0035%; no homozygotes.

Submissions (5):

Ambry Genetics
Classification: Uncertain significance for Inborn genetic diseases. Last evaluated: 2025-05-28. Review status: criteria provided, single submitter. Criteria: Ambry Variant Classification Scheme 2023. Collection method: clinical testing. Allele origin: germline.

CeGaT Center for Human Genetics Tuebingen
Classification: Uncertain significance. Last evaluated: 2024-09-01. Review status: criteria provided, single submitter. Criteria: CeGaT Center For Human Genetics Tuebingen Variant Classification Criteria Version 2. Collection method: clinical testing. Allele origin: germline. Affected: yes. Observed: 1 variant allele.
Comment: ABCC6: PM2, BP4

Labcorp Genetics (formerly Invitae), Labcorp
Classification: Uncertain significance. Last evaluated: 2022-04-23. Review status: criteria provided, single submitter. Criteria: Invitae Variant Classification Sherloc (09022015). Collection method: clinical testing. Allele origin: germline.
Comment: This sequence change replaces glutamic acid, which is acidic and polar, with lysine, which is basic and polar, at codon 884 of the ABCC6 protein (p.Glu884Lys). This variant is present in population databases (rs138049574, gnomAD 0.008%). This variant has not been reported in the literature in individuals affected with ABCC6-related conditions. Advanced modeling of protein sequence and biophysical properties (such as structural, functional, and spatial information, amino acid conservation, physicochemical variation, residue mobility, and thermodynamic stability) performed at Invitae indicates that this missense variant is not expected to disrupt ABCC6 protein function. In summary, the available evidence is currently insufficient to determine the role of this variant in disease. Therefore, it has been classified as a Variant of Uncertain Significance.

Fulgent Genetics
Classification: Uncertain significance for Pseudoxanthoma elasticum, forme fruste; Autosomal recessive inherited pseudoxanthoma elasticum; Arterial calcification, generalized, of infancy, 2. Last evaluated: 2022-02-12. Review status: criteria provided, single submitter. Criteria: ACMG Guidelines, 2015. Collection method: clinical testing. Allele origin: unknown.

PreventionGenetics, part of Exact Sciences
Classification: Uncertain significance for ABCC6-related condition. Last evaluated: 2024-01-29. Review status: no assertion criteria provided. Collection method: clinical testing. Allele origin: germline. Not counted in ClinVar's aggregate classification.
Comment: The ABCC6 c.2650G>A variant is predicted to result in the amino acid substitution p.Glu884Lys. To our knowledge, this variant has not been reported in the literature. This variant is reported in 0.0079% of alleles in individuals of European (Non-Finnish) descent in gnomAD. At this time, the clinical significance of this variant is uncertain due to the absence of conclusive functional and genetic evidence.